The following is an entry in ClinVar:

ClinVar aggregate classification (germline): Pathogenic (1 of 4 stars; one submission).

Conditions:
Primary ciliary dyskinesia. Also called: Ciliary dyskinesia. Identifiers: Orphanet 244, MedGen C0008780, MONDO:0016575, HP:0012265.

Submission:

Labcorp Genetics (formerly Invitae), Labcorp
Classification: Pathogenic for Primary ciliary dyskinesia. Last evaluated: 2016-09-22. Review status: criteria provided, single submitter. Criteria: Invitae Variant Classification Sherloc (09022015). Collection method: clinical testing. Allele origin: germline.
Comment: This variant has not been reported in the literature in individuals with a RSPH1-related disease. For these reasons, this variant has been classified as Pathogenic. This sequence change deletes 17 nucleotides from intron 6 of the RSPH1 mRNA (c.573+1_573+17del). It affects a donor splice site as well as conserved nucleotides near the donor splice site. It is expected to disrupt mRNA splicing and likely results in an absent or disrupted protein product. While it is unknown if these two variants are on the same or opposite chromosomes, this observation suggests the c.573+1_573+17del substitution may contribute to the cause of disease.

NM_080860.4(RSPH1):c.573+1_573+17del

Gene: RSPH1 (radial spoke head component 1; minus strand). Cytogenetic location: 21q22.3.
Variant type: Deletion.
Coding change: c.573+1_573+17del on transcript NM_080860.4 (MANE Select); the canonical splice donor site of the intron after coding-DNA position 573 through 17 bases into the intron after coding-DNA position 573, 17 bases deleted (GTAAGTTGCGGAGCATG).
Molecular consequence: splice donor variant.
Genome position (GRCh38, 1-based): chr21:42,482,620-42,482,636, CATGCTCCGCAACTTAC deleted on the plus strand (GTAAGTTGCGGAGCATG on the coding strand, the reverse complement: RSPH1 is on the minus strand); deleting any 17 consecutive bases within chr21:42,482,620-42,482,639 gives the same sequence; the c. name uses the placement nearest the transcript's 3' end. VCF-style (leftmost placement, unchanged base first): chr21-42482619-ACATGCTCCGCAACTTAC-A. GRCh37 (hg19) VCF-style: chr21-43902729-ACATGCTCCGCAACTTAC-A.
Other names: c.573+1_573+17delGTAAGTTGCGGAGCATG (NM_080860.3); c.459+1_459+17del (NM_001286506.2).
Identifiers: ClinVar variation 408130 (VCV000408130.9), dbSNP rs1064792947, ClinGen allele CA16616287.